The following is an entry in ClinVar:

NM_000138.5(FBN1):c.5368C>T (p.Arg1790Ter)

Gene: FBN1 (fibrillin 1; minus strand). Cytogenetic location: 15q21.1.
Variant type: single nucleotide variant.
Coding change: c.5368C>T on transcript NM_000138.5 (MANE Select); coding-DNA position 5368, C replaced by T.
Protein change: p.Arg1790Ter; replaces arginine 1790 with a stop codon.
Molecular consequence: nonsense.
Genome position (GRCh38, 1-based): chr15:48,456,691, G>A on the plus strand (C>T on the coding strand, the complement: FBN1 is on the minus strand). VCF-style: chr15-48456691-G-A. GRCh37 (hg19) VCF-style: chr15-48748888-G-A.
Other names: p.R1790X:CGA>TGA; short protein forms R1790*.
Identifiers: ClinVar variation 42382 (VCV000042382.46), dbSNP rs113249837, ClinGen allele CA015774.

ClinVar aggregate classification (germline): Pathogenic. Review status: criteria provided, multiple submitters, no conflicts (2 of 4 stars). 11 submissions from 11 submitters: Pathogenic (10). 1 of the submissions does not count toward it. Last evaluated 2025-06-11.

Conditions:
Familial thoracic aortic aneurysm and aortic dissection (TAAD). Also called: Thoracic aortic aneurysms and dissections. Identifiers: Orphanet 91387, MedGen C4707243, MONDO:0019625.
Marfan syndrome (MFS). Also called: Marfan syndrome type 1; Marfan's syndrome; MARFAN SYNDROME, TYPE I; Marfan syndrome, classic; FBN1-Related Marfan Syndrome. Identifiers: Orphanet 284963, Orphanet 558, MedGen C0024796, MONDO:0007947, OMIM 154700.
FBN1-related disorder. Also called: FBN1-related disorders.

Allele frequency attached by ClinVar (database versions not stated): gnomAD exomes below 0.00001.
gnomAD v4.1: 1 of 1,613,882 alleles (0.000062%); highest among the groups gnomAD compares: Non-Finnish European, 0.000085%; no homozygotes.

Submissions (11):

Labcorp Genetics (formerly Invitae), Labcorp
Classification: Pathogenic for Marfan syndrome; Familial thoracic aortic aneurysm and aortic dissection. Last evaluated: 2025-06-11. Review status: criteria provided, single submitter. Criteria: Invitae Variant Classification Sherloc (09022015). Collection method: clinical testing. Allele origin: germline.
Comment: This sequence change creates a premature translational stop signal (p.Arg1790*) in the FBN1 gene. It is expected to result in an absent or disrupted protein product. Loss-of-function variants in FBN1 are known to be pathogenic (PMID: 17657824, 19293843). This variant is not present in population databases (gnomAD no frequency). This premature translational stop signal has been observed in individuals with Marfan syndrome (PMID: 16222657, 16835936, 19533785, 19618372, 19863550, 26787436). ClinVar contains an entry for this variant (Variation ID: 42382). For these reasons, this variant has been classified as Pathogenic.

CeGaT Center for Human Genetics Tuebingen
Classification: Pathogenic. Last evaluated: 2025-05-01. Review status: criteria provided, single submitter. Criteria: CeGaT Center For Human Genetics Tuebingen Variant Classification Criteria Version 2. Collection method: clinical testing. Allele origin: germline. Affected: yes. Observed: 1 variant allele.
Comment: FBN1: PVS1, PS4, PM2

All of Us Research Program, National Institutes of Health
Classification: Pathogenic for Marfan syndrome. Last evaluated: 2023-11-08. Review status: criteria provided, single submitter. Criteria: ACMG Guidelines, 2015. Collection method: clinical testing. Allele origin: germline. Inheritance: Autosomal dominant inheritance. Observed: 1 variant allele, 1 heterozygote.
Comment: The c.5368C>T (p.Arg1790*) variant in of the FBN1 gene creates a premature termination codon that is predicted to lead to an absent or truncated protein product. This variant has been identified in numerous individuals (>10) affected with clinical features of Marfan syndrome (PMID:16222657, 19618372, 16835936, 19533785, 19863550, 19293843, 17627385, 26787436). Loss of function variants are known to be pathogenic for FBN1 (PMID: 17701892, 30286810, 21063442, 17657824, 19293843). Truncating variants downstream of this variant are reported in individuals with Marfan syndrome (PMID: 27906200, 31730815, 24793577). This variant is found to be absent in the general population database (gnomAD) and interpreted as pathogenic by several submitters in the ClinVar database (ClinVar ID: 42382). Therefore, the c.5368C>T (p.Arg1790*) variant in the FBN1 gene is classified as pathogenic.

This study involves interpretation of variants in research participants for the purpose of population health screening. Participant phenotype was not available at the time of variant classification. Additional details can be found in publication PMID: 35346344, PMCID: PMC8962531

Laboratory for Molecular Medicine, Mass General Brigham Personalized Medicine
Classification: Pathogenic for Marfan syndrome. Last evaluated: 2023-06-05. Review status: criteria provided, single submitter. Criteria: ACMG Guidelines, 2015. Collection method: clinical testing. Allele origin: germline. Inheritance: Autosomal dominant inheritance.
Comment: The p.Arg1790X variant in FBN1 has been reported in 6 individuals with clinically diagnosed Marfan Syndrome (fulfilled Ghent criteria) and 3 individuals with clinical features of Marfan-like phenotypes (Marfan syndrome suspected, but not fulfilling Ghent criteria; Arbustini 2005 PMID: 16222657, Sakai 2006 PMID: 16835936, Chung 2009 PMID: 19533785, Magyar 2009 PMID: 19618372, Yoo 2010 PMID: 19863550, Zhurayev 2016 PMID: 27724990, Stengl 2020 PMID: 33059708, Meester 2022 PMID: 35058154. This variant has also been reported by other clinical laboratories in ClinVar (Variation ID 42382) and was absent from large population studies (gnomAD, v.3.1.2). This nonsense variant leads to a premature termination codon at position 1790, which is predicted to lead to a truncated or absent protein. Heterozygous loss of function of the FBN1 gene is an established disease mechanism of autosomal dominant Marfan syndrome. In summary, this variant meets criterion to be classified as pathogenic for autosomal dominant Marfan Syndrome. ACMG/AMP Criteria applied: PM2_supporting, PSV1, PS4_Moderate.

Ambry Genetics
Classification: Pathogenic for Familial thoracic aortic aneurysm and aortic dissection. Last evaluated: 2022-07-25. Review status: criteria provided, single submitter. Criteria: Ambry Variant Classification Scheme 2023. Collection method: clinical testing. Allele origin: germline.
Comment: The p.R1790* pathogenic mutation (also known as c.5368C>T), located in coding exon 43 of the FBN1 gene, results from a C to T substitution at nucleotide position 5368. This alteration changes the amino acid from an arginine to a stop codon within coding exon 43. This mutation has been reported in numerous Marfan syndrome cohorts (e.g., Arbustini E et al. Hum Mutat. 2005;26(5):494; Magyar I et al. Hum. Mutat. 2009;30:1355-64; Stheneur C et al. Eur. J. Hum. Genet. 2009;17:1121-8; Franken R et al. Eur. Heart J, 2016;37:3285-3290). This variant is considered to be rare based on population cohorts in the Genome Aggregation Database (gnomAD). In addition to the clinical data presented in the literature, this alteration is expected to result in loss of function by premature protein truncation or nonsense-mediated mRNA decay. As such, this alteration is interpreted as a disease-causing mutation.

GeneDx
Classification: Pathogenic. Last evaluated: 2022-03-01. Review status: criteria provided, single submitter. Criteria: GeneDx Variant Classification Process June 2021. Collection method: clinical testing. Allele origin: germline. Affected: yes.
Comment: Has been reported several times in association with Marfan syndrome or other Marfan-like syndrome in unrelated patients referred for genetic testing at GeneDx and in the published literature (Arbustini et al., 2005; Sakai et al., 2006; Howarth et al., 2007; Chung et al., 2009; Magyar et al., 2009; Yoo et al., 2010; Stengl et al., 2020); Not observed at significant frequency in large population cohorts (gnomAD); Nonsense variant predicted to result in protein truncation or nonsense mediated decay in a gene for which loss-of-function is a known mechanism of disease; This variant is associated with the following publications: (PMID: 16222657, 19533785, 16835936, 17627385, 19293843, 26787436, 19863550, 19618372, 33059708)

Laboratory of Medical Genetics, National & Kapodistrian University of Athens
Classification: Pathogenic for Marfan syndrome. Last evaluated: 2021-10-05. Review status: criteria provided, single submitter. Criteria: ACMG Guidelines, 2015. Collection method: clinical testing. Allele origin: unknown. Affected: yes.
Comment: PVS1, PM2, PP5

Centre of Medical Genetics, University of Antwerp
Classification: Pathogenic for Marfan syndrome. Last evaluated: 2021-03-01. Review status: criteria provided, single submitter. Criteria: Submitter's publication. Collection method: research. Allele origin: unknown. Affected: yes.
Comment: PM2, PVS1, PP4

Blueprint Genetics
Classification: Pathogenic for FBN1-related disorders. Last evaluated: 2020-06-02. Review status: criteria provided, single submitter. Criteria: ACMG Guidelines, 2015. Collection method: clinical testing. Allele origin: germline. Affected: yes. Observed: 3 variant alleles.

Center for Human Genetics, Inc
Classification: Pathogenic for Marfan syndrome. Last evaluated: 2016-11-01. Review status: criteria provided, single submitter. Criteria: ACMG Guidelines, 2015. Collection method: clinical testing. Allele origin: germline. Affected: yes.

Center for Medical Genetics Ghent, University of Ghent
Classification: Pathogenic for Marfan syndrome. Last evaluated: 2017-11-07. Review status: no assertion criteria provided. Collection method: clinical testing. Allele origin: germline. Affected: yes. Not counted in ClinVar's aggregate classification.

Literature cited by the submitters: PubMed 17657824 (cited by Labcorp Genetics (formerly Invitae), Labcorp and All of Us Research Program, National Institutes of Health); PubMed 19293843 (cited by 3 submitters); PubMed 16222657 (cited by 3 submitters); PubMed 16835936 (cited by 4 submitters); PubMed 19533785 (cited by 4 submitters); PubMed 19618372 (cited by 4 submitters); PubMed 19863550 (cited by 4 submitters); PubMed 26787436 (cited by 3 submitters); PubMed 17627385 (cited by All of Us Research Program, National Institutes of Health and Ambry Genetics); PubMed 17701892 (cited by All of Us Research Program, National Institutes of Health); PubMed 21063442 (cited by All of Us Research Program, National Institutes of Health); PubMed 24793577 (cited by All of Us Research Program, National Institutes of Health); PubMed 27906200 (cited by All of Us Research Program, National Institutes of Health); PubMed 30286810 (cited by All of Us Research Program, National Institutes of Health); PubMed 31730815 (cited by All of Us Research Program, National Institutes of Health).